The following is an entry in ClinVar:

NM_000059.4(BRCA2):c.8429G>C (p.Ser2810Thr)

Gene: BRCA2 (BRCA2 DNA repair associated; plus strand). Cytogenetic location: 13q13.1.
Variant type: single nucleotide variant.
Coding change: c.8429G>C on transcript NM_000059.4 (MANE Select); coding-DNA position 8429, G replaced by C.
Protein change: p.Ser2810Thr; replaces serine 2810 with threonine.
Molecular consequence: missense variant.
Genome position (GRCh38, 1-based): chr13:32,370,499, G>C. VCF-style: chr13-32370499-G-C. GRCh37 (hg19) VCF-style: chr13-32944636-G-C.
Other names: short protein forms S2810T.
Identifiers: ClinVar variation 1061792 (VCV001061792.9), dbSNP rs2072821561, ClinGen allele CA387752540.

ClinVar aggregate classification (germline): Uncertain significance (1 of 4 stars; one submission).

Conditions:
Hereditary breast ovarian cancer syndrome. Also called: Hereditary breast and/or ovarian cancer syndrome; Breast and ovarian cancer; BRCA1- and BRCA2-Associated Hereditary Breast and Ovarian Cancer; Hereditary breast and ovarian cancer syndrome; Hereditary breast and ovarian cancer syndrome (HBOC); Hereditary breast and ovarian cancer. Identifiers: Orphanet 145, MedGen C0677776, MeSH D061325, MONDO:0003582. Disease mechanism: loss of function.

Submission:

Labcorp Genetics (formerly Invitae), Labcorp
Classification: Uncertain significance for Hereditary breast ovarian cancer syndrome. Last evaluated: 2023-02-14. Review status: criteria provided, single submitter. Criteria: Invitae Variant Classification Sherloc (09022015). Collection method: clinical testing. Allele origin: germline.
Comment: Advanced modeling of protein sequence and biophysical properties (such as structural, functional, and spatial information, amino acid conservation, physicochemical variation, residue mobility, and thermodynamic stability) performed at Invitae indicates that this missense variant is not expected to disrupt BRCA2 protein function. This variant has not been reported in the literature in individuals affected with BRCA2-related conditions. ClinVar contains an entry for this variant (Variation ID: 1061792). This variant is not present in population databases (gnomAD no frequency). In summary, the available evidence is currently insufficient to determine the role of this variant in disease. Therefore, it has been classified as a Variant of Uncertain Significance. This sequence change replaces serine, which is neutral and polar, with threonine, which is neutral and polar, at codon 2810 of the BRCA2 protein (p.Ser2810Thr).